The following is an entry in ClinVar:

ClinVar aggregate classification (germline): Uncertain significance (1 of 4 stars; one submission).

Submission:

GeneDx
Classification: Uncertain significance. Last evaluated: 2026-03-05. Review status: criteria provided, single submitter. Criteria: GeneDx Variant Classification Process June 2021. Collection method: clinical testing. Allele origin: germline.
Comment: Not observed at significant frequency in large population cohorts (gnomAD); In silico analysis supports that this missense variant has a deleterious effect on protein structure/function; Has not been previously published as pathogenic or benign to our knowledge

NM_001378615.1(CC2D2A):c.4511T>C (p.Leu1504Pro)

Genes: CC2D2A (coiled-coil and C2 domain containing 2A; plus strand), FBXL5 (F-box and leucine rich repeat protein 5; minus strand). Cytogenetic location: 4p15.32.
Variant type: single nucleotide variant.
Coding change: c.4511T>C on transcript NM_001378615.1 (MANE Select); coding-DNA position 4511, T replaced by C.
Protein change: p.Leu1504Pro; replaces leucine 1504 with proline.
Molecular consequence: missense variant.
Genome position (GRCh38, 1-based): chr4:15,599,543, T>C. VCF-style: chr4-15599543-T-C. GRCh37 (hg19) VCF-style: chr4-15601166-T-C.
Other names: c.4364T>C, p.Leu1455Pro (NM_001378617.1); c.4511T>C, p.Leu1504Pro (NM_001080522.2); short protein forms L1455P, L1504P.
Identifiers: ClinVar variation 5008205 (VCV005008205.1).